The following is an entry in ClinVar:

ClinVar aggregate classification (germline): Likely benign (1 of 4 stars; one submission).

Allele frequency attached by ClinVar (database versions not stated): 1000 Genomes Project 0.00060; 1000 Genomes Project 30x 0.00062; ESP Exome Variant Server 0.00208; gnomAD 0.00213.
gnomAD v4.1: 3,386 of 1,591,824 alleles (0.21%); highest among the groups gnomAD compares: Non-Finnish European, 0.26%; 14 homozygotes.

Submissions (5):

CeGaT Center for Human Genetics Tuebingen
Classification: Likely benign. Last evaluated: 2026-06-01. Review status: criteria provided, single submitter. Criteria: CeGaT Center For Human Genetics Tuebingen Variant Classification Criteria Version 2. Collection method: clinical testing. Allele origin: germline. Affected: yes. Observed: 24 variant alleles.
Comment: CHD1: BS2

Dr. Peter K. Rogan Lab, Western University
No classification provided (evidence only). Condition: Thyroid cancer, nonmedullary, 1. Review status: no classification provided. Collection method: in vitro. Allele origin: not applicable. Functional consequence: retained intron. Not counted in ClinVar's aggregate classification.

Dr. Peter K. Rogan Lab, Western University
No classification provided (evidence only). Condition: Cervical cancer. Review status: no classification provided. Collection method: in vitro. Allele origin: not applicable. Functional consequence: retained intron. Not counted in ClinVar's aggregate classification.

Dr. Peter K. Rogan Lab, Western University
No classification provided (evidence only). Condition: Sarcoma. Review status: no classification provided. Collection method: in vitro. Allele origin: not applicable. Functional consequence: retained intron. Not counted in ClinVar's aggregate classification.

Dr. Peter K. Rogan Lab, Western University
No classification provided (evidence only). Condition: Ovarian serous cystadenocarcinoma. Review status: no classification provided. Collection method: in vitro. Allele origin: not applicable. Functional consequence: retained intron. Not counted in ClinVar's aggregate classification.

NM_001270.4(CHD1):c.2321A>T (p.Tyr774Phe)

Gene: CHD1 (chromodomain helicase DNA binding protein 1; minus strand). Cytogenetic location: 5q15.
Variant type: single nucleotide variant.
Coding change: c.2321A>T on transcript NM_001270.4 (MANE Select); coding-DNA position 2321, A replaced by T.
Protein change: p.Tyr774Phe; replaces tyrosine 774 with phenylalanine.
Molecular consequence: missense variant. On other transcripts: non-coding transcript variant (2).
Genome position (GRCh38, 1-based): chr5:98,889,098, T>A on the plus strand (A>T on the coding strand, the complement: CHD1 is on the minus strand). VCF-style: chr5-98889098-T-A. GRCh37 (hg19) VCF-style: chr5-98224802-T-A.
Other names: NC_000005.9:g.98224802T>A; c.2321A>T, p.Tyr774Phe (NM_001364113.3, NM_001376194.2); short protein forms Y774F.
Identifiers: ClinVar variation 1695137 (VCV001695137.32), dbSNP rs144567251, ClinGen allele CA3356207.